The following is an entry in ClinVar:

ClinVar aggregate classification (germline): Uncertain significance (1 of 4 stars; one submission).

Conditions:
Hereditary diffuse gastric adenocarcinoma (HDGC). Also called: DIFFUSE GASTRIC AND LOBULAR BREAST CANCER SYNDROME. Identifiers: Orphanet 26106, MedGen C1708349, MONDO:0007648, OMIM 137215.

Allele frequency attached by ClinVar (database versions not stated): gnomAD exomes below 0.00001.
gnomAD v4.1: 1 of 1,614,008 alleles (0.000062%); no homozygotes.

Submission:

Labcorp Genetics (formerly Invitae), Labcorp
Classification: Uncertain significance for Hereditary diffuse gastric adenocarcinoma. Last evaluated: 2024-11-11. Review status: criteria provided, single submitter. Criteria: Invitae Variant Classification Sherloc (09022015). Collection method: clinical testing. Allele origin: germline.
Comment: This sequence change replaces proline, which is neutral and non-polar, with arginine, which is basic and polar, at codon 795 of the CDH1 protein (p.Pro795Arg). This variant is not present in population databases (gnomAD no frequency). This variant has not been reported in the literature in individuals affected with CDH1-related conditions. ClinVar contains an entry for this variant (Variation ID: 532458). An algorithm developed to predict the effect of missense changes on protein structure and function (PolyPhen-2) suggests that this variant is likely to be disruptive. In summary, the available evidence is currently insufficient to determine the role of this variant in disease. Therefore, it has been classified as a Variant of Uncertain Significance.

NM_004360.5(CDH1):c.2384C>G (p.Pro795Arg)

Gene: CDH1 (cadherin 1; plus strand). Cytogenetic location: 16q22.1.
Variant type: single nucleotide variant.
Coding change: c.2384C>G on transcript NM_004360.5 (MANE Select); coding-DNA position 2384, C replaced by G.
Protein change: p.Pro795Arg; replaces proline 795 with arginine.
Molecular consequence: missense variant.
Genome position (GRCh38, 1-based): chr16:68,829,742, C>G. VCF-style: chr16-68829742-C-G. GRCh37 (hg19) VCF-style: chr16-68863645-C-G.
Other names: c.2384C>G (LRG_301t1); c.2201C>G, p.Pro734Arg (NM_001317184.2); c.836C>G, p.Pro279Arg (NM_001317185.2); c.419C>G, p.Pro140Arg (NM_001317186.2); short protein forms P795R, P734R, P279R, P140R.
Identifiers: ClinVar variation 532458 (VCV000532458.9), dbSNP rs1555517888, ClinGen allele CA396471151.